The following is an entry in ClinVar:

ClinVar aggregate classification (germline): Likely benign (1 of 4 stars; one submission).

Allele frequency attached by ClinVar (database versions not stated): gnomAD 0.03658 and 0.04071; TOPMed 0.04051; 1000 Genomes Project 30x 0.07901; 1000 Genomes Project 0.08107.
gnomAD v4.1: 6,212 of 152,290 alleles (4.1%); highest among the groups gnomAD compares: South Asian, 14%; 221 homozygotes.

Submission:

GeneDx
Classification: Likely benign. Last evaluated: 2018-06-16. Review status: criteria provided, single submitter. Criteria: GeneDx Variant Classification (06012015). Collection method: clinical testing. Allele origin: germline. Affected: yes.
Comment: This variant is considered likely benign or benign based on one or more of the following criteria: it is a conservative change, it occurs at a poorly conserved position in the protein, it is predicted to be benign by multiple in silico algorithms, and/or has population frequency not consistent with disease.

NM_020381.4(PDSS2):c.703-305G>A

Gene: PDSS2 (decaprenyl diphosphate synthase subunit 2; minus strand). Cytogenetic location: 6q21.
Variant type: single nucleotide variant.
Coding change: c.703-305G>A on transcript NM_020381.4 (MANE Select); 305 bases into the intron before coding-DNA position 703, G replaced by A.
Molecular consequence: intron variant.
Genome position (GRCh38, 1-based): chr6:107,212,587, C>T on the plus strand (G>A on the coding strand, the complement: PDSS2 is on the minus strand). VCF-style: chr6-107212587-C-T. GRCh37 (hg19) VCF-style: chr6-107533791-C-T.
Identifiers: ClinVar variation 673752 (VCV000673752.1), dbSNP rs75622118, ClinGen allele CA145598009.
Genomic context (GRCh38, chr6:107,212,587, plus strand): 5'-GAACTTCTATTAAAATATACCCTACAGGATAAGGGAAAAAGTAGAAAGACTTCAAACTAA[C>T]TCCCTTCTATAGTCAATATCAGTTCTTAAGTGCTGGTATTAAGCACAAGAAGCCTATTGC-3'